The following is an entry in ClinVar:

NM_019032.6(ADAMTSL4):c.736C>A (p.Pro246Thr)

Genes: ADAMTSL4 (ADAMTS like 4; plus strand), ADAMTSL4-AS2 (ADAMTSL4 antisense RNA 2; minus strand). Cytogenetic location: 1q21.2.
Variant type: single nucleotide variant.
Coding change: c.736C>A on transcript NM_019032.6 (MANE Select); coding-DNA position 736, C replaced by A.
Protein change: p.Pro246Thr; replaces proline 246 with threonine.
Molecular consequence: missense variant.
Genome position (GRCh38, 1-based): chr1:150,553,727, C>A. VCF-style: chr1-150553727-C-A. GRCh37 (hg19) VCF-style: chr1-150526203-C-A.
Other names: c.736C>A, p.Pro246Thr (NM_001288607.2, NM_001288608.2, NM_001378596.1 and 1 more transcripts); short protein forms P246T.
Identifiers: ClinVar variation 2167891 (VCV002167891.1), dbSNP rs752551862, ClinGen allele CA342302039.
Genomic context (GRCh38, chr1:150,553,727, plus strand): 5'-CCCCAAGCAGAACCTCTAAGCCCTGAAACTGCTCAGACAGAGGTGGCCCCCAGAACCAGG[C>A]CTGCCCCCCTACGGCATCACCCCAGAGCCCAGGCCTCTGGCACAGAGCCCCCCTCACCCA-3'
Protein context (NP_061905.2, residues 236-256): AQTEVAPRTR[Pro246Thr]APLRHHPRAQ

ClinVar aggregate classification (germline): Uncertain significance (1 of 4 stars; one submission).

Allele frequency attached by ClinVar (database versions not stated): TOPMed 0.00001.
gnomAD v4.1: 19 of 1,613,176 alleles (0.0012%); highest among the groups gnomAD compares: Non-Finnish European, 0.0016%; no homozygotes.

Submission:

Labcorp Genetics (formerly Invitae), Labcorp
Classification: Uncertain significance. Last evaluated: 2022-04-08. Review status: criteria provided, single submitter. Criteria: Invitae Variant Classification Sherloc (09022015). Collection method: clinical testing. Allele origin: germline.
Comment: This sequence change replaces proline, which is neutral and non-polar, with threonine, which is neutral and polar, at codon 246 of the ADAMTSL4 protein (p.Pro246Thr). This variant is present in population databases (no rsID available, gnomAD 0.0009%). This variant has not been reported in the literature in individuals affected with ADAMTSL4-related conditions. Algorithms developed to predict the effect of missense changes on protein structure and function (SIFT, PolyPhen-2, Align-GVGD) all suggest that this variant is likely to be tolerated. In summary, the available evidence is currently insufficient to determine the role of this variant in disease. Therefore, it has been classified as a Variant of Uncertain Significance.